The following is an entry in ClinVar:

NM_014000.3(VCL):c.1655C>A (p.Thr552Lys)

Gene: VCL (vinculin; plus strand). Cytogenetic location: 10q22.2.
Variant type: single nucleotide variant.
Coding change: c.1655C>A on transcript NM_014000.3 (MANE Select); coding-DNA position 1655, C replaced by A.
Protein change: p.Thr552Lys; replaces threonine 552 with lysine.
Molecular consequence: missense variant.
Genome position (GRCh38, 1-based): chr10:74,095,767, C>A. VCF-style: chr10-74095767-C-A. GRCh37 (hg19) VCF-style: chr10-75855525-C-A.
Other names: c.1655C>A, p.Thr552Lys (NM_003373.4); short protein forms T552K.
Identifiers: ClinVar variation 1777330 (VCV001777330.3), dbSNP rs2549226452, ClinGen allele CA377274876.

ClinVar aggregate classification (germline): Uncertain significance. Review status: criteria provided, multiple submitters, no conflicts (2 of 4 stars). 2 submissions from 2 submitters: Uncertain significance (2). Last evaluated 2025-10-31.

Conditions:
Cardiovascular phenotype. Identifiers: MedGen CN230736.
Dilated cardiomyopathy 1W (CMD1W). Identifiers: Orphanet 154, MedGen C1969639, MONDO:0012667, OMIM 611407.

Submissions (2):

Labcorp Genetics (formerly Invitae), Labcorp
Classification: Uncertain significance for Dilated cardiomyopathy 1W. Last evaluated: 2025-10-31. Review status: criteria provided, single submitter. Criteria: Invitae Variant Classification Sherloc (09022015). Collection method: clinical testing. Allele origin: germline.
Comment: This sequence change replaces threonine, which is neutral and polar, with lysine, which is basic and polar, at codon 552 of the VCL protein (p.Thr552Lys). This variant is not present in population databases (gnomAD no frequency). This variant has not been reported in the literature in individuals affected with VCL-related conditions. ClinVar contains an entry for this variant (Variation ID: 1777330). An algorithm developed to predict the effect of missense changes on protein structure and function (PolyPhen-2) suggests that this variant is likely to be tolerated. In summary, the available evidence is currently insufficient to determine the role of this variant in disease. Therefore, it has been classified as a Variant of Uncertain Significance.

Ambry Genetics
Classification: Uncertain significance for Cardiovascular phenotype. Last evaluated: 2021-10-08. Review status: criteria provided, single submitter. Criteria: Ambry Variant Classification Scheme 2023. Collection method: clinical testing. Allele origin: germline.
Comment: The p.T552K variant (also known as c.1655C>A), located in coding exon 12 of the VCL gene, results from a C to A substitution at nucleotide position 1655. The threonine at codon 552 is replaced by lysine, an amino acid with similar properties. This amino acid position is conserved. In addition, this alteration is predicted to be tolerated by in silico analysis. Since supporting evidence is limited at this time, the clinical significance of this alteration remains unclear.